The following is an entry in ClinVar:

NM_152783.5(D2HGDH):c.-99A>G

Genes: D2HGDH (D-2-hydroxyglutarate dehydrogenase; plus strand), LOC129936031 (ATAC-STARR-seq lymphoblastoid silent region 12558; plus strand). Cytogenetic location: 2q37.3.
Variant type: single nucleotide variant.
Coding change: c.-99A>G on transcript NM_152783.5 (MANE Select); 99 bases upstream of the start codon, A replaced by G.
Molecular consequence: 5 prime UTR variant. On other transcripts: non-coding transcript variant (1).
Genome position (GRCh38, 1-based): chr2:241,734,689, A>G. VCF-style: chr2-241734689-A-G. GRCh37 (hg19) VCF-style: chr2-242674104-A-G.
Other names: c.-117A>G (NM_001287249.2); c.-643A>G (NM_001352824.2).
Identifiers: ClinVar variation 335307 (VCV000335307.6), dbSNP rs7370843, ClinGen allele CA10612923.

ClinVar aggregate classification (germline): Benign. Review status: criteria provided, multiple submitters, no conflicts (2 of 4 stars). 2 submissions from 2 submitters: Benign (2). Last evaluated 2018-01-12.

Conditions:
D-2-hydroxyglutaric aciduria 1 (D2HGA1). Identifiers: Orphanet 79315, MedGen C3152055, MONDO:0024554, OMIM 600721.

Allele frequency attached by ClinVar (database versions not stated): gnomAD exomes 0.66770; gnomAD 0.70225 and 0.70817; TOPMed 0.71523; 1000 Genomes Project 0.72444; 1000 Genomes Project 30x 0.72798.
gnomAD v4.1: 106,376 of 151,422 alleles (70%); highest among the groups gnomAD compares: African/African-American, 86%; 38,412 homozygotes.

Submissions (2):

Illumina Laboratory Services, Illumina
Classification: Benign for D-2-hydroxyglutaric aciduria 1. Last evaluated: 2018-01-12. Review status: criteria provided, single submitter. Criteria: ICSL Variant Classification Criteria 13 December 2019. Collection method: clinical testing. Allele origin: germline.
Comment: This variant was observed in the ICSL laboratory as part of a predisposition screen in an ostensibly healthy population. It had not been previously curated by ICSL or reported in the Human Gene Mutation Database (HGMD: prior to June 1st, 2018), and was therefore a candidate for classification through an automated scoring system. Utilizing variant allele frequency, disease prevalence and penetrance estimates, and inheritance mode, an automated score was calculated to assess if this variant is too frequent to cause the disease. Based on the score and internal cut-off values, a variant classified as benign is not then subjected to further curation. The score for this variant resulted in a classification of benign for this disease.

Breakthrough Genomics
Classification: Benign. Review status: criteria provided, single submitter. Criteria: ACMG Guidelines, 2015. Collection method: not provided. Allele origin: germline. Inheritance: Autosomal recessive inheritance. Affected: yes.